The following is an entry in ClinVar:

ClinVar aggregate classification (germline): Pathogenic. Review status: criteria provided, multiple submitters, no conflicts (2 of 4 stars). 6 submissions from 6 submitters: Pathogenic (6). Last evaluated 2025-06-23.

Conditions:
CFTR-related disorder (CFTR-RD). Also called: CFTR-related disorders; CFTR-related condition. Identifiers: MedGen C5924204, MONDO:7770004.
Cystic fibrosis (CF). Also called: MUCOVISCIDOSIS. Identifiers: Orphanet 586, MedGen C0010674, MONDO:0009061, OMIM 219700. Disease mechanism: loss of function.
Bronchiectasis with or without elevated sweat chloride 1 (BESC1). Also called: Cystic Fibrosis-Like Syndrome. Identifiers: Orphanet 60033, MedGen C2749757, MONDO:0008887, OMIM 211400.

Submissions (6):

Labcorp Genetics (formerly Invitae), Labcorp
Classification: Pathogenic for Cystic fibrosis. Last evaluated: 2025-06-23. Review status: criteria provided, single submitter. Criteria: Invitae Variant Classification Sherloc (09022015). Collection method: clinical testing. Allele origin: germline.
Comment: This sequence change creates a premature translational stop signal (p.Glu257*) in the CFTR gene. It is expected to result in an absent or disrupted protein product. Loss-of-function variants in CFTR are known to be pathogenic (PMID: 1695717, 7691345, 9725922). This variant is not present in population databases (gnomAD no frequency). This premature translational stop signal has been observed in individual(s) with cystic fibrosis (PMID: 16980811). ClinVar contains an entry for this variant (Variation ID: 1704258). For these reasons, this variant has been classified as Pathogenic.

Natera, Inc.
Classification: Pathogenic for CFTR-related disorders. Last evaluated: 2025-06-16. Review status: criteria provided, single submitter. Criteria: Natera Variant Classification Schema (03/2026). Collection method: clinical testing. Allele origin: germline.
Comment: The c.769G>T variant in CFTR is a nonsense variant predicted to introduce a stop codon at amino acid 257. This variant is expected to result in nonsense mediated decay, truncation, or a dysfunctional protein product. This variant is rare in the general population with a frequency below the threshold expected for the associated phenotype(s). This variant has been observed in one or more individuals affected with the associated recessive disease, as either homozygous or compound heterozygous with a second variant (PMID: 34086412). Given the available evidence, this variant is classified as Pathogenic.

Women's Health and Genetics/Laboratory Corporation of America, LabCorp
Classification: Pathogenic for Cystic fibrosis. Last evaluated: 2025-06-03. Review status: criteria provided, single submitter. Criteria: LabCorp Variant Classification Summary - May 2015. Collection method: clinical testing. Allele origin: germline.
Comment: Variant summary: CFTR c.769G>T (p.Glu257X) results in a premature termination codon, predicted to cause a truncation of the encoded protein or absence of the protein due to nonsense mediated decay, which are commonly known mechanisms for disease. The variant was absent in 234418 control chromosomes. c.769G>T has been observed in individual(s) affected with Cystic Fibrosis (example: Kammesheidt_2006). The following publication has been ascertained in the context of this evaluation (PMID: 16980811). ClinVar contains an entry for this variant (Variation ID: 1704258). Based on the evidence outlined above, the variant was classified as pathogenic.

Baylor Genetics
Classification: Pathogenic for Bronchiectasis with or without elevated sweat chloride 1. Last evaluated: 2023-04-19. Review status: criteria provided, single submitter. Criteria: ACMG Guidelines, 2015. Collection method: clinical testing. Allele origin: unknown.

CFTR-France
Classification: Pathogenic for cystic fibrosis; CFTR-related disorders. Last evaluated: 2021-01-11. Review status: criteria provided, single submitter. Criteria: Claustres M et al. (Hum Mutat 2017). Collection method: curation. Allele origin: germline. Affected: yes.
Comment: the variant causes a phenotype but regarding our data, we can't formally attribute it to CF, CFTR-RD or both

Ambry Genetics
Classification: Pathogenic for Cystic fibrosis. Last evaluated: 2016-09-13. Review status: criteria provided, single submitter. Criteria: Ambry Variant Classification Scheme 2023. Collection method: clinical testing. Allele origin: germline.
Comment: The p.E257* pathogenic mutation (also known as c.769G>T), located in coding exon 7 of the CFTR gene, results from a G to T substitution at nucleotide position 769. This changes the amino acid from a glutamic acid to a stop codon within coding exon 7. This alteration is expected to result in loss of function by premature protein truncation or nonsense-mediated mRNA decay. As such, this alteration is interpreted as a disease-causing mutation.

Literature cited by the submitters: PubMed 1695717 (cited by Labcorp Genetics (formerly Invitae), Labcorp); PubMed 7691345 (cited by Labcorp Genetics (formerly Invitae), Labcorp); PubMed 9725922 (cited by Labcorp Genetics (formerly Invitae), Labcorp); PubMed 16980811 (cited by Labcorp Genetics (formerly Invitae), Labcorp and Women's Health and Genetics/Laboratory Corporation of America, LabCorp); PubMed 34086412 (cited by Natera, Inc.).

NM_000492.4(CFTR):c.769G>T (p.Glu257Ter)

Gene: CFTR (CF transmembrane conductance regulator; plus strand). Cytogenetic location: 7q31.2.
Variant type: single nucleotide variant.
Coding change: c.769G>T on transcript NM_000492.4 (MANE Select); coding-DNA position 769, G replaced by T.
Protein change: p.Glu257Ter; replaces glutamic acid 257 with a stop codon.
Molecular consequence: nonsense.
Genome position (GRCh38, 1-based): chr7:117,536,573, G>T. VCF-style: chr7-117536573-G-T. GRCh37 (hg19) VCF-style: chr7-117176627-G-T.
Other names: c.769G>T (NM_000492.3); short protein forms E257*.
Identifiers: ClinVar variation 1704258 (VCV001704258.8), dbSNP rs2485020199, ClinGen allele CA368977371.